The following is an entry in ClinVar:

NM_032444.4(SLX4):c.2150T>C (p.Leu717Pro)

Gene: SLX4 (SLX4 structure-specific endonuclease subunit; minus strand). Cytogenetic location: 16p13.3.
Variant type: single nucleotide variant.
Coding change: c.2150T>C on transcript NM_032444.4 (MANE Select); coding-DNA position 2150, T replaced by C.
Protein change: p.Leu717Pro; replaces leucine 717 with proline.
Molecular consequence: missense variant.
Genome position (GRCh38, 1-based): chr16:3,594,463, A>G on the plus strand (T>C on the coding strand, the complement: SLX4 is on the minus strand). VCF-style: chr16-3594463-A-G. GRCh37 (hg19) VCF-style: chr16-3644464-A-G.
Other names: c.2150T>C (LRG_503t1); short protein forms L717P.
Identifiers: ClinVar variation 648257 (VCV000648257.9), dbSNP rs1596525067, ClinGen allele CA394525490.

ClinVar aggregate classification (germline): Uncertain significance. Review status: criteria provided, multiple submitters, no conflicts (2 of 4 stars). 2 submissions from 2 submitters: Uncertain significance (2). Last evaluated 2022-04-01.

Conditions:
Fanconi anemia (FA). Also called: Fanconi's anemia. Identifiers: Orphanet 84, MedGen C0015625, MeSH D005199, MONDO:0019391.

Allele frequency attached by ClinVar (database versions not stated): gnomAD exomes below 0.00001.
gnomAD v4.1: 1 of 1,613,450 alleles (0.000062%); highest among the groups gnomAD compares: Non-Finnish European, 0.000085%; no homozygotes.

Submissions (2):

Labcorp Genetics (formerly Invitae), Labcorp
Classification: Uncertain significance for Fanconi anemia. Last evaluated: 2022-04-01. Review status: criteria provided, single submitter. Criteria: Invitae Variant Classification Sherloc (09022015). Collection method: clinical testing. Allele origin: germline.
Comment: ClinVar contains an entry for this variant (Variation ID: 648257). This variant has not been reported in the literature in individuals affected with SLX4-related conditions. This variant is not present in population databases (gnomAD no frequency). This sequence change replaces leucine, which is neutral and non-polar, with proline, which is neutral and non-polar, at codon 717 of the SLX4 protein (p.Leu717Pro). Algorithms developed to predict the effect of missense changes on protein structure and function are either unavailable or do not agree on the potential impact of this missense change (SIFT: "Deleterious"; PolyPhen-2: "Probably Damaging"; Align-GVGD: "Class C0"). In summary, the available evidence is currently insufficient to determine the role of this variant in disease. Therefore, it has been classified as a Variant of Uncertain Significance.

Blueprint Genetics
Classification: Uncertain significance. Last evaluated: 2020-09-16. Review status: criteria provided, single submitter. Criteria: ACMG Guidelines, 2015. Collection method: clinical testing. Allele origin: germline.